The following is an entry in ClinVar:

NM_006019.4(TCIRG1):c.2271del (p.Arg757_Ile758insTer)

Gene: TCIRG1 (T cell immune regulator 1, ATPase H+ transporting V0 subunit a3; plus strand). Cytogenetic location: 11q13.2.
Variant type: Deletion.
Coding change: c.2271del on transcript NM_006019.4 (MANE Select); coding-DNA position 2271, one base deleted (C; older notation c.2271delC).
Protein change: p.Arg757_Ile758insTer.
Molecular consequence: frameshift variant.
Genome position (GRCh38, 1-based): chr11:68,050,521, C deleted. VCF-style (leftmost placement, unchanged base first): chr11-68050520-GC-G. GRCh37 (hg19) VCF-style: chr11-67817987-GC-G.
Other names: c.1377del, p.Arg459_Ile460insTer (NM_001351059.2); c.1623del, p.Arg541_Ile542insTer (NM_006053.4).
Identifiers: ClinVar variation 2852248 (VCV002852248.3), dbSNP rs1855750271, ClinGen allele CA1980437481.
Genomic context (GRCh38, chr11:68,050,520, plus strand): 5'-GGCCCCCACTGTCTCCTTTGCTTGCAGAGCTGTCCGAGGTTCTGTGGGCCATGGTGATGC[GC>G]ATAGGCCTGGGCCTGGGCCGGGAGGTGGGCGTGGCGGCTGTGGTGCTGGTCCCCATCTTT-3'

ClinVar aggregate classification (germline): Pathogenic (1 of 4 stars; one submission).

Allele frequency attached by ClinVar (database versions not stated): gnomAD exomes below 0.00001.

Submission:

Labcorp Genetics (formerly Invitae), Labcorp
Classification: Pathogenic. Last evaluated: 2023-06-19. Review status: criteria provided, single submitter. Criteria: Invitae Variant Classification Sherloc (09022015). Collection method: clinical testing. Allele origin: germline.
Comment: This sequence change creates a premature translational stop signal (p.Ile758*) in the TCIRG1 gene. It is expected to result in an absent or disrupted protein product. Loss-of-function variants in TCIRG1 are known to be pathogenic (PMID: 10888887, 10942435, 11532986, 19448635). This variant is not present in population databases (gnomAD no frequency). This variant has not been reported in the literature in individuals affected with TCIRG1-related conditions. For these reasons, this variant has been classified as Pathogenic.

Literature cited by the submitters: PubMed 10888887; PubMed 10942435; PubMed 11532986; PubMed 19448635.